The following is an entry in ClinVar:

NM_007315.4(STAT1):c.743T>C (p.Ile248Thr)

Gene: STAT1 (signal transducer and activator of transcription 1; minus strand). Cytogenetic location: 2q32.2.
Variant type: single nucleotide variant.
Coding change: c.743T>C on transcript NM_007315.4 (MANE Select); coding-DNA position 743, T replaced by C.
Protein change: p.Ile248Thr; replaces isoleucine 248 with threonine.
Molecular consequence: missense variant.
Genome position (GRCh38, 1-based): chr2:190,997,898, A>G on the plus strand (T>C on the coding strand, the complement: STAT1 is on the minus strand). VCF-style: chr2-190997898-A-G. GRCh37 (hg19) VCF-style: chr2-191862624-A-G.
Other names: c.743T>C, p.Ile248Thr (NM_001384880.1, NM_001384882.1, NM_001384885.1 and 5 more transcripts); c.749T>C, p.Ile250Thr (NM_001384881.1, NM_001384884.1); c.644T>C, p.Ile215Thr (NM_001384883.1); c.653T>C, p.Ile218Thr (NM_001384890.1); c.779T>C, p.Ile260Thr (NM_001384891.1); short protein forms I248T, I215T, I218T, I250T, I260T.
Identifiers: ClinVar variation 856465 (VCV000856465.8), dbSNP rs779371351, ClinGen allele CA2030160.

ClinVar aggregate classification (germline): Uncertain significance (1 of 4 stars; one submission).

Conditions:
Immunodeficiency 31B. Also called: STAT1 DEFICIENCY, AUTOSOMAL RECESSIVE; IMMUNODEFICIENCY 31B, MYCOBACTERIAL AND VIRAL INFECTIONS, AUTOSOMAL RECESSIVE. Identifiers: Orphanet 391311, MedGen C3151088, MONDO:0013427, OMIM 613796.
Autoimmune enteropathy and endocrinopathy - susceptibility to chronic infections syndrome. Also called: Immunodeficiency 31C, autosomal dominant; Immunodeficiency 31C. Identifiers: Orphanet 391487, MedGen C3279990, MONDO:0013599, OMIM 614162.
Mendelian susceptibility to mycobacterial diseases due to partial STAT1 deficiency. Also called: IMMUNODEFICIENCY 31A, MYCOBACTERIOSIS, AUTOSOMAL DOMINANT; STAT1 DEFICIENCY, AUTOSOMAL DOMINANT; Immunodeficiency 31a. Identifiers: Orphanet 319595, MedGen C4013950, MONDO:0013956, OMIM 614892.

Allele frequency attached by ClinVar (database versions not stated): gnomAD 0.00001; TOPMed 0.00002.
gnomAD v4.1: 16 of 1,614,076 alleles (0.00099%); highest among the groups gnomAD compares: Admixed American, 0.0033%; no homozygotes.

Submission:

Labcorp Genetics (formerly Invitae), Labcorp
Classification: Uncertain significance for Mendelian susceptibility to mycobacterial diseases due to partial STAT1 deficiency; Immunodeficiency 31B; Autoimmune enteropathy and endocrinopathy - susceptibility to chronic infections syndrome. Last evaluated: 2025-08-16. Review status: criteria provided, single submitter. Criteria: Invitae Variant Classification Sherloc (09022015). Collection method: clinical testing. Allele origin: germline.
Comment: This sequence change replaces isoleucine, which is neutral and non-polar, with threonine, which is neutral and polar, at codon 248 of the STAT1 protein (p.Ile248Thr). This variant is present in population databases (rs779371351, gnomAD 0.004%). This missense change has been observed in individual(s) with common variable immunodeficiency (PMID: 32506361). ClinVar contains an entry for this variant (Variation ID: 856465). An algorithm developed to predict the effect of missense changes on protein structure and function (PolyPhen-2) suggests that this variant is likely to be disruptive. In summary, the available evidence is currently insufficient to determine the role of this variant in disease. Therefore, it has been classified as a Variant of Uncertain Significance.

Literature cited by the submitters: PubMed 32506361.